The following is an entry in ClinVar:

NM_001379500.1(COL18A1):c.*16G>A

Genes: COL18A1 (collagen type XVIII alpha 1 chain; plus strand), SLC19A1 (solute carrier family 19 member 1; minus strand). Cytogenetic location: 21q22.3.
Variant type: single nucleotide variant.
Coding change: c.*16G>A on transcript NM_001379500.1 (MANE Select); 16 bases downstream of the stop codon, G replaced by A.
Molecular consequence: 3 prime UTR variant.
Genome position (GRCh38, 1-based): chr21:45,512,414, G>A. VCF-style: chr21-45512414-G-A. GRCh37 (hg19) VCF-style: chr21-46932328-G-A.
Other names: NM_130445.2:c.*16G>A; c.*16G>A (NM_030582.4, NM_130444.3).
Identifiers: ClinVar variation 261884 (VCV000261884.13), dbSNP rs7499, ClinGen allele CA10068164.

ClinVar aggregate classification (germline): Benign. Review status: criteria provided, multiple submitters, no conflicts (2 of 4 stars). 9 submissions from 8 submitters: Benign (8). 1 of the submissions does not count toward it. Last evaluated 2024-11-28.

Conditions:
Hereditary glaucoma, primary closed-angle. Also called: Glaucoma, primary closed-angle. Identifiers: MedGen C5394374, MONDO:0030038, OMIM 618880.
Knobloch syndrome (KNO). Also called: RETINAL DETACHMENT AND OCCIPITAL ENCEPHALOCELE; Myopia retinal detachment encephalocele. Identifiers: Orphanet 1571, MedGen C1849409, MONDO:0800166.

Allele frequency attached by ClinVar (database versions not stated): ESP Exome Variant Server 0.40300; gnomAD 0.41352 and 0.41589; TOPMed 0.41740; gnomAD exomes 0.41862; ExAC 0.44605; 1000 Genomes Project 30x 0.46346; 1000 Genomes Project 0.46725.
gnomAD v4.1: 654,194 of 1,608,724 alleles (41%); highest among the groups gnomAD compares: East Asian, 60%; 134,572 homozygotes.

Submissions (9):

Blueprint Genetics
Classification: Benign. Last evaluated: 2024-11-28. Review status: criteria provided, single submitter. Criteria: ACMG Guidelines, 2015. Collection method: clinical testing. Allele origin: germline.

Genome-Nilou Lab
Classification: Benign for Knobloch syndrome 1. Last evaluated: 2021-07-22. Review status: criteria provided, single submitter. Criteria: ACMG Guidelines, 2015. Collection method: clinical testing. Allele origin: germline. Affected: no.

Genome-Nilou Lab
Classification: Benign for Hereditary glaucoma, primary closed-angle. Last evaluated: 2021-07-22. Review status: criteria provided, single submitter. Criteria: ACMG Guidelines, 2015. Collection method: clinical testing. Allele origin: germline. Affected: no.

GeneDx
Classification: Benign. Last evaluated: 2021-02-23. Review status: criteria provided, single submitter. Criteria: GeneDx Variant Classification Process June 2021. Collection method: clinical testing. Allele origin: germline. Affected: yes.
Comment: This variant is associated with the following publications: (PMID: 22461898, 21118967)

Illumina Laboratory Services, Illumina
Classification: Benign for Knobloch syndrome 1. Last evaluated: 2018-01-13. Review status: criteria provided, single submitter. Criteria: ICSL Variant Classification Criteria 13 December 2019. Collection method: clinical testing. Allele origin: germline.
Comment: This variant was observed in the ICSL laboratory as part of a predisposition screen in an ostensibly healthy population. It had not been previously curated by ICSL or reported in the Human Gene Mutation Database (HGMD: prior to June 1st, 2018), and was therefore a candidate for classification through an automated scoring system. Utilizing variant allele frequency, disease prevalence and penetrance estimates, and inheritance mode, an automated score was calculated to assess if this variant is too frequent to cause the disease. Based on the score and internal cut-off values, a variant classified as benign is not then subjected to further curation. The score for this variant resulted in a classification of benign for this disease.

Clinical Genetics DNA and cytogenetics Diagnostics Lab, Erasmus MC, Erasmus Medical Center
Classification: Benign for Knobloch syndrome 1. Last evaluated: 2017-05-31. Review status: criteria provided, single submitter. Criteria: ACGS Guidelines, 2013. Collection method: clinical testing. Allele origin: germline. Affected: yes. Study: VKGL Data-share Consensus.

Breakthrough Genomics
Classification: Benign. Review status: criteria provided, single submitter. Criteria: ACMG Guidelines, 2015. Collection method: not provided. Allele origin: germline. Inheritance: Autosomal recessive inheritance. Affected: yes.

PreventionGenetics, part of Exact Sciences
Classification: Benign. Review status: criteria provided, single submitter. Criteria: ACMG Guidelines, 2015. Collection method: clinical testing. Allele origin: germline.

Diagnostic Laboratory, Department of Genetics, University Medical Center Groningen
Classification: Benign for Knobloch syndrome 1. Review status: no assertion criteria provided. Collection method: clinical testing. Allele origin: germline. Affected: yes. Study: VKGL Data-share Consensus. Not counted in ClinVar's aggregate classification.